The following is an entry in ClinVar:

ClinVar aggregate classification (germline): Uncertain significance (1 of 4 stars; one submission).

Conditions:
Charcot-Marie-Tooth disease axonal type 2P. Also called: CHARCOT-MARIE-TOOTH DISEASE, AXONAL, TYPE 2G; CMT 2G; CHARCOT-MARIE-TOOTH NEUROPATHY, TYPE 2P; Charcot-Marie-Tooth Neuropathy Type 2G. Identifiers: Orphanet 300319, Orphanet 99941, MedGen C3280797, MONDO:0013753, OMIM 614436.

Submission:

Labcorp Genetics (formerly Invitae), Labcorp
Classification: Uncertain significance for Charcot-Marie-Tooth disease axonal type 2P. Last evaluated: 2024-01-29. Review status: criteria provided, single submitter. Criteria: Invitae Variant Classification Sherloc (09022015). Collection method: clinical testing. Allele origin: germline.
Comment: This sequence change replaces proline, which is neutral and non-polar, with threonine, which is neutral and polar, at codon 189 of the LRSAM1 protein (p.Pro189Thr). This variant is not present in population databases (gnomAD no frequency). This variant has not been reported in the literature in individuals affected with LRSAM1-related conditions. Advanced modeling of protein sequence and biophysical properties (such as structural, functional, and spatial information, amino acid conservation, physicochemical variation, residue mobility, and thermodynamic stability) performed at Invitae indicates that this missense variant is not expected to disrupt LRSAM1 protein function with a negative predictive value of 80%. In summary, the available evidence is currently insufficient to determine the role of this variant in disease. Therefore, it has been classified as a Variant of Uncertain Significance.

NM_001005373.4(LRSAM1):c.565C>A (p.Pro189Thr)

Gene: LRSAM1 (leucine rich repeat and sterile alpha motif containing 1; plus strand). Cytogenetic location: 9q33.3.
Variant type: single nucleotide variant.
Coding change: c.565C>A on transcript NM_001005373.4 (MANE Select); coding-DNA position 565, C replaced by A.
Protein change: p.Pro189Thr; replaces proline 189 with threonine.
Molecular consequence: missense variant. On other transcripts: 5 prime UTR variant (1), non-coding transcript variant (2).
Genome position (GRCh38, 1-based): chr9:127,467,776, C>A. VCF-style: chr9-127467776-C-A. GRCh37 (hg19) VCF-style: chr9-130230055-C-A.
Other names: c.565C>A, p.Pro189Thr (NM_001005374.4, NM_001190723.3, NM_001384142.1 and 2 more transcripts); c.-220C>A (NM_001384144.1); short protein forms P189T.
Identifiers: ClinVar variation 2790590 (VCV002790590.3), dbSNP rs2539345482, ClinGen allele CA374928517.
Genomic context (GRCh38, chr9:127,467,776, plus strand): 5'-AGCGGGTTACCCTTGTGTCTGCAGATGCTGAGCCTTGACGCCTCGGCCATGGTCTACCCG[C>A]CGCGGGAGGTGTGTGGTGCCGGCACTGCGGCCATCTTGCAGTTCCTCTGCAAAGGTAAAG-3'
Protein context (NP_001005373.1, residues 179-199): SLDASAMVYP[Pro189Thr]REVCGAGTAA